The following is an entry in ClinVar:

NM_000521.4(HEXB):c.500G>T (p.Gly167Val)

Gene: HEXB (hexosaminidase subunit beta; plus strand). Cytogenetic location: 5q13.3.
Variant type: single nucleotide variant.
Coding change: c.500G>T on transcript NM_000521.4 (MANE Select); coding-DNA position 500, G replaced by T.
Protein change: p.Gly167Val; replaces glycine 167 with valine.
Molecular consequence: missense variant. On other transcripts: 5 prime UTR variant (1).
Genome position (GRCh38, 1-based): chr5:74,693,693, G>T. VCF-style: chr5-74693693-G-T. GRCh37 (hg19) VCF-style: chr5-73989518-G-T.
Other names: c.-176G>T (NM_001292004.2); short protein forms G167V.
Identifiers: ClinVar variation 4814235 (VCV004814235.1).

ClinVar aggregate classification (germline): VUS-mid (1 of 4 stars; one submission).

Conditions:
Sandhoff disease. Also called: GM2-GANGLIOSIDOSIS, TYPE II; HEXOSAMINIDASES A AND B DEFICIENCY; Beta-hexosaminidase-beta-subunit deficiency; GM2 gangliosidosis, type 2; Total hexosaminidase deficiency; Sandhoff-Jatzkewitz-Pilz disease. Identifiers: Orphanet 796, MedGen C0036161, MONDO:0010006, OMIM 268800.

Submission:

Centre for Medical Genetics,  Mumbai
Classification: VUS-mid for Sandhoff disease. Last evaluated: 2024-07-17. Review status: criteria provided, single submitter. Criteria: ACMG Guidelines, 2015. Collection method: provider interpretation. Allele origin: germline. Inheritance: Autosomal recessive inheritance. Affected: yes. Observed: 1 variant allele, 1 homozygote.
Comment: The variant satisfies PM2 criteria; Extremely low frequency in gnomAD population databases. The variant satisfies PP3 criteria; For a missense or a splicing region variant, computational prediction tools unanimously support a deleterious effect on the gene. The variant is novel in gnomAD and can be classified as a variant of uncertain significance due to insufficient clinical evidence.

Literature cited by the submitters: PubMed 2921040.